The following is an entry in ClinVar:

ClinVar aggregate classification (germline): Likely benign (1 of 4 stars; one submission).

Submission:

CeGaT Center for Human Genetics Tuebingen
Classification: Likely benign. Last evaluated: 2024-11-01. Review status: criteria provided, single submitter. Criteria: CeGaT Center For Human Genetics Tuebingen Variant Classification Criteria Version 2. Collection method: clinical testing. Allele origin: germline. Affected: yes. Observed: 1 variant allele.
Comment: KCNQ2: PM2:Supporting, BP4, BP7

NM_172107.4(KCNQ2):c.1479C>T (p.Arg493=)

Gene: KCNQ2 (potassium voltage-gated channel subfamily Q member 2; minus strand). Cytogenetic location: 20q13.33.
Variant type: single nucleotide variant.
Coding change: c.1479C>T on transcript NM_172107.4 (MANE Select); coding-DNA position 1479, C replaced by T.
Protein change: p.Arg493=; no amino-acid change (arginine 493 retained).
Molecular consequence: synonymous variant.
Genome position (GRCh38, 1-based): chr20:63,414,949, G>A on the plus strand (C>T on the coding strand, the complement: KCNQ2 is on the minus strand). VCF-style: chr20-63414949-G-A. GRCh37 (hg19) VCF-style: chr20-62046302-G-A.
Other names: c.1425C>T, p.Arg475= (NM_001382235.1, NM_172106.3); c.1395C>T, p.Arg465= (NM_004518.6); c.1389C>T, p.Arg463= (NM_172108.5).
Identifiers: ClinVar variation 3390168 (VCV003390168.14).